The following is an entry in ClinVar:

ClinVar aggregate classification (germline): Likely benign (1 of 4 stars; one submission).

Submission:

GeneDx
Classification: Likely benign. Last evaluated: 2017-11-13. Review status: criteria provided, single submitter. Criteria: GeneDx Variant Classification (06012015). Collection method: clinical testing. Allele origin: germline. Affected: yes.
Comment: This variant is considered likely benign or benign based on one or more of the following criteria: it is a conservative change, it occurs at a poorly conserved position in the protein, it is predicted to be benign by multiple in silico algorithms, and/or has population frequency not consistent with disease.

NM_001271.4(CHD2):c.692+3A>G

Gene: CHD2 (chromodomain helicase DNA binding protein 2; plus strand). Cytogenetic location: 15q26.1.
Variant type: single nucleotide variant.
Coding change: c.692+3A>G on transcript NM_001271.4 (MANE Select); 3 bases into the intron after coding-DNA position 692, A replaced by G.
Molecular consequence: intron variant.
Genome position (GRCh38, 1-based): chr15:92,939,721, A>G. VCF-style: chr15-92939721-A-G. GRCh37 (hg19) VCF-style: chr15-93482951-A-G.
Other names: c.692+3A>G (NM_001042572.3).
Identifiers: ClinVar variation 513340 (VCV000513340.1), dbSNP rs1555439037, ClinGen allele CA658798440.